The following is an entry in ClinVar:

NM_003850.3(SUCLA2):c.338G>A (p.Ser113Asn)

Gene: SUCLA2 (succinate-CoA ligase ADP-forming subunit beta; minus strand). Cytogenetic location: 13q14.2.
Variant type: single nucleotide variant.
Coding change: c.338G>A on transcript NM_003850.3 (MANE Select); coding-DNA position 338, G replaced by A.
Protein change: p.Ser113Asn; replaces serine 113 with asparagine.
Molecular consequence: missense variant.
Genome position (GRCh38, 1-based): chr13:47,988,915, C>T on the plus strand (G>A on the coding strand, the complement: SUCLA2 is on the minus strand). VCF-style: chr13-47988915-C-T. GRCh37 (hg19) VCF-style: chr13-48563050-C-T.
Other names: short protein forms S113N.
Identifiers: ClinVar variation 2443636 (VCV002443636.2), dbSNP rs767939956, ClinGen allele CA6978029.
Genomic context (GRCh38, chr13:47,988,915, plus strand): 5'-GATTTTTCCTTAAAAAATGTGACTTACGAGAAAACTATCTTCACTCCTCCTTTGAGGCCA[C>T]TTTCAAATGTTCCTTTTCCTCTACCACCAGCTAAAACCTGTGCCTTTATCACGACATCTT-3'
Protein context (NP_003841.1, residues 103-123): AGGRGKGTFE[Ser113Asn]GLKGGVKIVF

ClinVar aggregate classification (germline): Uncertain significance. Review status: criteria provided, multiple submitters, no conflicts (2 of 4 stars). 2 submissions from 2 submitters: Uncertain significance (2). Last evaluated 2025-07-04.

Conditions:
Inborn genetic diseases. Identifiers: MedGen C0950123, MeSH D030342.

Allele frequency attached by ClinVar (database versions not stated): TOPMed below 0.00001; ExAC 0.00001; gnomAD exomes 0.00001.
gnomAD v4.1: 21 of 1,613,270 alleles (0.0013%); highest among the groups gnomAD compares: African/African-American, 0.0027%; no homozygotes.

Submissions (2):

Ambry Genetics
Classification: Uncertain significance for Inborn genetic diseases. Last evaluated: 2025-07-04. Review status: criteria provided, single submitter. Criteria: Ambry Variant Classification Scheme 2023. Collection method: clinical testing. Allele origin: germline.

GeneDx
Classification: Uncertain significance. Last evaluated: 2022-09-07. Review status: criteria provided, single submitter. Criteria: GeneDx Variant Classification Process June 2021. Collection method: clinical testing. Allele origin: germline. Affected: yes.
Comment: Not observed at significant frequency in large population cohorts (gnomAD); In silico analysis supports that this missense variant does not alter protein structure/function; Has not been previously published as pathogenic or benign to our knowledge